The following is an entry in ClinVar:

ClinVar aggregate classification (germline): Uncertain significance (1 of 4 stars; one submission).

Submission:

GeneDx
Classification: Uncertain significance. Last evaluated: 2025-07-25. Review status: criteria provided, single submitter. Criteria: GeneDx Variant Classification Process June 2021. Collection method: clinical testing. Allele origin: germline. Affected: yes.
Comment: Not observed at significant frequency in large population cohorts (gnomAD); In silico analysis supports that this missense variant has a deleterious effect on protein structure/function; Has not been previously published as pathogenic or benign to our knowledge

NM_001282534.2(KCNK9):c.356C>T (p.Pro119Leu)

Gene: KCNK9 (potassium two pore domain channel subfamily K member 9; minus strand). Cytogenetic location: 8q24.3.
Variant type: single nucleotide variant.
Coding change: c.356C>T on transcript NM_001282534.2 (MANE Select); coding-DNA position 356, C replaced by T.
Protein change: p.Pro119Leu; replaces proline 119 with leucine.
Molecular consequence: missense variant. On other transcripts: non-coding transcript variant (1).
Genome position (GRCh38, 1-based): chr8:139,619,027, G>A on the plus strand (C>T on the coding strand, the complement: KCNK9 is on the minus strand). VCF-style: chr8-139619027-G-A. GRCh37 (hg19) VCF-style: chr8-140631270-G-A.
Other names: short protein forms P119L.
Identifiers: ClinVar variation 4686904 (VCV004686904.1).